The following is an entry in ClinVar:

ClinVar aggregate classification (germline): Pathogenic (1 of 4 stars; one submission).

Conditions:
Hereditary breast ovarian cancer syndrome. Also called: Hereditary breast and ovarian cancer syndrome; Hereditary breast and ovarian cancer; Hereditary breast and ovarian cancer syndrome (HBOC); Breast and ovarian cancer; Hereditary breast and/or ovarian cancer syndrome; BRCA1- and BRCA2-Associated Hereditary Breast and Ovarian Cancer. Identifiers: Orphanet 145, MedGen C0677776, MeSH D061325, MONDO:0003582. Disease mechanism: loss of function.

Submission:

Women's Health and Genetics/Laboratory Corporation of America, LabCorp
Classification: Pathogenic for Hereditary breast ovarian cancer syndrome. Last evaluated: 2026-06-22. Review status: criteria provided, single submitter. Criteria: LabCorp Variant Classification Summary - May 2015. Collection method: clinical testing. Allele origin: germline.
Comment: Variant summary: The variant involves the deletion of exon 11 in the BRCA1 gene. A presumed nomenclature of c.(4096+1_4097-1)_(4185+1_4186-1)del has been designated for the purposes of this classification. This Copy Number Variant (CNV) is expected to alter the reading frame and predicted to result in a truncation or absence of the encoded protein due to nonsense mediated decay (NMD). Loss-of-function variants in this gene are known to be pathogenic. The variant was absent in 20948 control chromosomes. c.(4096+1_4097-1)_(4185+1_4186-1)del has been observed in individual(s) affected with BRCA1-related conditions (example, Ji_2021). These report(s) do not provide unequivocal conclusions about association of the variant with disease. To our knowledge, no experimental evidence demonstrating an impact on protein function has been reported. The following publication has been ascertained in the context of this evaluation (PMID: 34254208).ClinVar contains an entry for this variant (Variation ID: 1068882). Based on the evidence outlined above, the variant was classified as pathogenic.

Literature cited by the submitters: PubMed 34254208.

NC_000017.10:g.(41234593_41242960)_(41243050_41243451)del

Gene: BRCA1 (BRCA1 DNA repair associated; minus strand). Cytogenetic location: 17q21.31.
Variant type: Deletion.
Identifiers: ClinVar variation 4887763 (VCV004887763.1).